The following is an entry in ClinVar:

ClinVar aggregate classification (germline): Uncertain significance. Review status: criteria provided, multiple submitters, no conflicts (2 of 4 stars). 3 submissions from 3 submitters: Uncertain significance (3). Last evaluated 2025-01-01.

Conditions:
Inborn genetic diseases. Identifiers: MedGen C0950123, MeSH D030342.
Peroxisome biogenesis disorder 12A (Zellweger). Also called: Peroxisome biogenesis disorder 12A. Identifiers: Orphanet 912, MedGen C3554002, MONDO:0013951, OMIM 614886.

Allele frequency attached by ClinVar (database versions not stated): gnomAD exomes below 0.00001.

Submissions (3):

Ambry Genetics
Classification: Uncertain significance for Inborn genetic diseases. Last evaluated: 2025-01-01. Review status: criteria provided, single submitter. Criteria: Ambry Variant Classification Scheme 2023. Collection method: clinical testing. Allele origin: germline.

Labcorp Genetics (formerly Invitae), Labcorp
Classification: Uncertain significance for Peroxisome biogenesis disorder 12A (Zellweger). Last evaluated: 2021-08-26. Review status: criteria provided, single submitter. Criteria: Invitae Variant Classification Sherloc (09022015). Collection method: clinical testing. Allele origin: germline.
Comment: This sequence change replaces methionine with valine at codon 175 of the PEX19 protein (p.Met175Val). The methionine residue is highly conserved and there is a small physicochemical difference between methionine and valine. This variant is not present in population databases (ExAC no frequency). This variant has not been reported in the literature in individuals affected with PEX19-related conditions. ClinVar contains an entry for this variant (Variation ID: 289195). Algorithms developed to predict the effect of missense changes on protein structure and function (SIFT, PolyPhen-2, Align-GVGD) all suggest that this variant is likely to be tolerated. In summary, the available evidence is currently insufficient to determine the role of this variant in disease. Therefore, it has been classified as a Variant of Uncertain Significance.

Eurofins Ntd Llc (ga)
Classification: Uncertain significance. Last evaluated: 2017-08-03. Review status: criteria provided, single submitter. Criteria: EGL Classification Definitions 2015. Collection method: clinical testing. Allele origin: germline. Observed: 2 variant alleles, 2 heterozygotes.

NM_002857.4(PEX19):c.523A>G (p.Met175Val)

Gene: PEX19 (peroxisomal biogenesis factor 19; minus strand). Cytogenetic location: 1q23.2.
Variant type: single nucleotide variant.
Coding change: c.523A>G on transcript NM_002857.4 (MANE Select); coding-DNA position 523, A replaced by G.
Protein change: p.Met175Val; replaces methionine 175 with valine.
Molecular consequence: missense variant. On other transcripts: non-coding transcript variant (2).
Genome position (GRCh38, 1-based): chr1:160,282,110, T>C on the plus strand (A>G on the coding strand, the complement: PEX19 is on the minus strand). VCF-style: chr1-160282110-T-C. GRCh37 (hg19) VCF-style: chr1-160251900-T-C.
Other names: c.523A>G, p.Met175Val (NM_001193644.1); c.523A>G (NM_002857.3); short protein forms M175V.
Identifiers: ClinVar variation 289195 (VCV000289195.10), dbSNP rs886044114, ClinGen allele CA10606365.